The following is an entry in ClinVar:

NM_014319.5(LEMD3):c.212C>T (p.Thr71Met)

Gene: LEMD3 (LEM domain containing 3; plus strand). Cytogenetic location: 12q14.3.
Variant type: single nucleotide variant.
Coding change: c.212C>T on transcript NM_014319.5 (MANE Select); coding-DNA position 212, C replaced by T.
Protein change: p.Thr71Met; replaces threonine 71 with methionine.
Molecular consequence: missense variant.
Genome position (GRCh38, 1-based): chr12:65,169,808, C>T. VCF-style: chr12-65169808-C-T. GRCh37 (hg19) VCF-style: chr12-65563588-C-T.
Other names: c.212C>T, p.Thr71Met (NM_001167614.2); short protein forms T71M.
Identifiers: ClinVar variation 3234616 (VCV003234616.20), dbSNP rs767085294, ClinGen allele CA385672113.

ClinVar aggregate classification (germline): Uncertain significance (1 of 4 stars; one submission).

Allele frequency attached by ClinVar (database versions not stated): TOPMed below 0.00001.
gnomAD v4.1: 5 of 1,505,054 alleles (0.00033%); highest among the groups gnomAD compares: East Asian, 0.0025%; no homozygotes.

Submission:

CeGaT Center for Human Genetics Tuebingen
Classification: Uncertain significance. Last evaluated: 2024-04-01. Review status: criteria provided, single submitter. Criteria: CeGaT Center For Human Genetics Tuebingen Variant Classification Criteria Version 2. Collection method: clinical testing. Allele origin: germline. Affected: yes. Observed: 1 variant allele.
Comment: LEMD3: PM2:Supporting